The following is an entry in ClinVar:

NM_022124.6(CDH23):c.6662A>G (p.Asp2221Gly)

Gene: CDH23 (cadherin related 23; plus strand). Cytogenetic location: 10q22.1.
Variant type: single nucleotide variant.
Coding change: c.6662A>G on transcript NM_022124.6 (MANE Select); coding-DNA position 6662, A replaced by G.
Protein change: p.Asp2221Gly; replaces aspartic acid 2221 with glycine.
Molecular consequence: missense variant.
Genome position (GRCh38, 1-based): chr10:71,793,590, A>G. VCF-style: chr10-71793590-A-G. GRCh37 (hg19) VCF-style: chr10-73553347-A-G.
Other names: short protein forms D2221G.
Identifiers: ClinVar variation 1475691 (VCV001475691.3), dbSNP rs2132954754, ClinGen allele CA377155526.

ClinVar aggregate classification (germline): Uncertain significance (1 of 4 stars; one submission).

Submission:

Labcorp Genetics (formerly Invitae), Labcorp
Classification: Uncertain significance. Last evaluated: 2021-12-17. Review status: criteria provided, single submitter. Criteria: Invitae Variant Classification Sherloc (09022015). Collection method: clinical testing. Allele origin: germline.
Comment: This sequence change replaces aspartic acid, which is acidic and polar, with glycine, which is neutral and non-polar, at codon 2221 of the CDH23 protein (p.Asp2221Gly). This variant is not present in population databases (gnomAD no frequency). This variant has not been reported in the literature in individuals affected with CDH23-related conditions. Algorithms developed to predict the effect of missense changes on protein structure and function are either unavailable or do not agree on the potential impact of this missense change (SIFT: "Deleterious"; PolyPhen-2: "Not Available"; Align-GVGD: "Class C65"). In summary, the available evidence is currently insufficient to determine the role of this variant in disease. Therefore, it has been classified as a Variant of Uncertain Significance.